The following is an entry in ClinVar:

NM_001844.5(COL2A1):c.528T>A (p.Gly176=)

Gene: COL2A1 (collagen type II alpha 1 chain; minus strand). Cytogenetic location: 12q13.11.
Variant type: single nucleotide variant.
Coding change: c.528T>A on transcript NM_001844.5 (MANE Select); coding-DNA position 528, T replaced by A.
Protein change: p.Gly176=; no amino-acid change (glycine 176 retained).
Molecular consequence: synonymous variant.
Genome position (GRCh38, 1-based): chr12:47,997,609, A>T on the plus strand (T>A on the coding strand, the complement: COL2A1 is on the minus strand). VCF-style: chr12-47997609-A-T. GRCh37 (hg19) VCF-style: chr12-48391392-A-T.
Other names: c.321T>A, p.Gly107= (NM_033150.3).
Identifiers: ClinVar variation 1166443 (VCV001166443.14), dbSNP rs567132968, ClinGen allele CA6535909.

ClinVar aggregate classification (germline): Benign/Likely benign. Review status: criteria provided, multiple submitters, no conflicts (2 of 4 stars). 4 submissions from 4 submitters: Benign (1); Likely benign (2). 1 of the submissions does not count toward it. Last evaluated 2025-06-04.

Conditions:
COL2A1-related disorder. Also called: COL2A1-related condition; COL2A1-related disorders.

Allele frequency attached by ClinVar (database versions not stated): TOPMed 0.00001; gnomAD 0.00004; gnomAD exomes 0.00025; ExAC 0.00030; 1000 Genomes Project 30x 0.00047; 1000 Genomes Project 0.00060.
gnomAD v4.1: 155 of 1,613,874 alleles (0.0096%); highest among the groups gnomAD compares: South Asian, 0.15%; no homozygotes.

Submissions (4):

Labcorp Genetics (formerly Invitae), Labcorp
Classification: Benign. Last evaluated: 2025-06-04. Review status: criteria provided, single submitter. Criteria: Invitae Variant Classification Sherloc (09022015). Collection method: clinical testing. Allele origin: germline.

Blueprint Genetics
Classification: Likely benign. Last evaluated: 2024-08-13. Review status: criteria provided, single submitter. Criteria: ACMG Guidelines, 2015. Collection method: clinical testing. Allele origin: germline.

GeneDx
Classification: Likely benign. Last evaluated: 2020-11-12. Review status: criteria provided, single submitter. Criteria: GeneDx Variant Classification Process June 2021. Collection method: clinical testing. Allele origin: germline. Affected: yes.

PreventionGenetics, part of Exact Sciences
Classification: Likely benign for COL2A1-related condition. Last evaluated: 2020-01-08. Review status: no assertion criteria provided. Collection method: clinical testing. Allele origin: germline. Not counted in ClinVar's aggregate classification.
Comment: This variant is classified as likely benign based on ACMG/AMP sequence variant interpretation guidelines (Richards et al. 2015 PMID: 25741868, with internal and published modifications).